The following is an entry in ClinVar:

ClinVar aggregate classification (germline): Uncertain significance (1 of 4 stars; one submission).

Conditions:
Insulin-dependent diabetes mellitus secretory diarrhea syndrome (IPEX). Also called: IPEX and IPEX-Like; DIABETES MELLITUS, CONGENITAL INSULIN-DEPENDENT, WITH FATAL SECRETORY DIARRHEA; DIARRHEA, POLYENDOCRINOPATHY, FATAL INFECTION SYNDROME, X-LINKED; ENTEROPATHY, AUTOIMMUNE, WITH HEMOLYTIC ANEMIA AND POLYENDOCRINOPATHY; IMMUNODEFICIENCY, POLYENDOCRINOPATHY, AND ENTEROPATHY, X-LINKED; X-Linked Autoimmunity-Allergic Dysregulation Syndrome. Identifiers: Orphanet 37042, MedGen C0342288, MONDO:0010580, OMIM 304790. Disease mechanism: loss of function.

Allele frequency attached by ClinVar (database versions not stated): gnomAD 0.00001; gnomAD exomes 0.00002; TOPMed 0.00002.

Submission:

Labcorp Genetics (formerly Invitae), Labcorp
Classification: Uncertain significance for Insulin-dependent diabetes mellitus secretory diarrhea syndrome. Last evaluated: 2023-11-03. Review status: criteria provided, single submitter. Criteria: Invitae Variant Classification Sherloc (09022015). Collection method: clinical testing. Allele origin: germline.
Comment: This sequence change replaces arginine, which is basic and polar, with glutamine, which is neutral and polar, at codon 417 of the FOXP3 protein (p.Arg417Gln). The frequency data for this variant in the population databases is considered unreliable, as metrics indicate poor data quality at this position in the gnomAD database. This variant has not been reported in the literature in individuals affected with FOXP3-related conditions. ClinVar contains an entry for this variant (Variation ID: 1992842). Advanced modeling of protein sequence and biophysical properties (such as structural, functional, and spatial information, amino acid conservation, physicochemical variation, residue mobility, and thermodynamic stability) has been performed at Invitae for this missense variant, however the output from this modeling did not meet the statistical confidence thresholds required to predict the impact of this variant on FOXP3 protein function. In summary, the available evidence is currently insufficient to determine the role of this variant in disease. Therefore, it has been classified as a Variant of Uncertain Significance.

NM_014009.4(FOXP3):c.1250G>A (p.Arg417Gln)

Gene: FOXP3 (forkhead box P3; minus strand). Cytogenetic location: Xp11.23.
Variant type: single nucleotide variant.
Coding change: c.1250G>A on transcript NM_014009.4 (MANE Select); coding-DNA position 1250, G replaced by A.
Protein change: p.Arg417Gln; replaces arginine 417 with glutamine.
Molecular consequence: missense variant.
Genome position (GRCh38, 1-based): chrX:49,251,380, C>T on the plus strand (G>A on the coding strand, the complement: FOXP3 is on the minus strand). VCF-style: chrX-49251380-C-T. GRCh37 (hg19) VCF-style: chrX-49107841-C-T.
Other names: c.1145G>A, p.Arg382Gln (NM_001114377.2); short protein forms R417Q, R382Q.
Identifiers: ClinVar variation 1992842 (VCV001992842.4), dbSNP rs925367928, ClinGen allele CA329133606.